The following is an entry in ClinVar:

NM_000918.4(P4HB):c.1030C>T (p.His344Tyr)

Gene: P4HB (prolyl 4-hydroxylase subunit beta; minus strand). Cytogenetic location: 17q25.3.
Variant type: single nucleotide variant.
Coding change: c.1030C>T on transcript NM_000918.4 (MANE Select); coding-DNA position 1030, C replaced by T.
Protein change: p.His344Tyr; replaces histidine 344 with tyrosine.
Molecular consequence: missense variant.
Genome position (GRCh38, 1-based): chr17:81,846,455, G>A on the plus strand (C>T on the coding strand, the complement: P4HB is on the minus strand). VCF-style: chr17-81846455-G-A. GRCh37 (hg19) VCF-style: chr17-79804331-G-A.
Other names: short protein forms H344Y.
Identifiers: ClinVar variation 4691071 (VCV004691071.1).

ClinVar aggregate classification (germline): Uncertain significance (1 of 4 stars; one submission).

Submission:

Labcorp Genetics (formerly Invitae), Labcorp
Classification: Uncertain significance. Last evaluated: 2025-10-03. Review status: criteria provided, single submitter. Criteria: Invitae Variant Classification Sherloc (09022015). Collection method: clinical testing. Allele origin: germline.
Comment: This sequence change replaces histidine, which is basic and polar, with tyrosine, which is neutral and polar, at codon 344 of the P4HB protein (p.His344Tyr). This variant is present in population databases (no rsID available, gnomAD 0.0009%). This variant has not been reported in the literature in individuals affected with P4HB-related conditions. Invitae Evidence Modeling of protein sequence and biophysical properties (such as structural, functional, and spatial information, amino acid conservation, physicochemical variation, residue mobility, and thermodynamic stability) indicates that this missense variant is not expected to disrupt P4HB protein function with a negative predictive value of 80%. In summary, the available evidence is currently insufficient to determine the role of this variant in disease. Therefore, it has been classified as a Variant of Uncertain Significance.